The following is an entry in ClinVar:

NM_002180.3(IGHMBP2):c.622G>A (p.Glu208Lys)

Gene: IGHMBP2 (immunoglobulin mu DNA binding protein 2; plus strand). Cytogenetic location: 11q13.3.
Variant type: single nucleotide variant.
Coding change: c.622G>A on transcript NM_002180.3 (MANE Select); coding-DNA position 622, G replaced by A.
Protein change: p.Glu208Lys; replaces glutamic acid 208 with lysine.
Molecular consequence: missense variant.
Genome position (GRCh38, 1-based): chr11:68,911,514, G>A. VCF-style: chr11-68911514-G-A. GRCh37 (hg19) VCF-style: chr11-68678982-G-A.
Other names: p.Glu208Lys; c.622G>A (NM_002180.2); short protein forms E208K.
Identifiers: ClinVar variation 1038342 (VCV001038342.10), dbSNP rs374952782, ClinGen allele CA6153346.

ClinVar aggregate classification (germline): Uncertain significance. Review status: criteria provided, multiple submitters, no conflicts (2 of 4 stars). 4 submissions from 4 submitters: Uncertain significance (4). Last evaluated 2024-11-10.

Conditions:
Charcot-Marie-Tooth disease axonal type 2S. Also called: CHARCOT-MARIE-TOOTH NEUROPATHY, TYPE 2S; CHARCOT-MARIE-TOOTH DISEASE, AXONAL, AUTOSOMAL RECESSIVE, TYPE 2S. Identifiers: Orphanet 443073, MedGen C4015349, MONDO:0014511, OMIM 616155.
Autosomal recessive distal spinal muscular atrophy 1. Also called: SEVERE INFANTILE AXONAL NEUROPATHY WITH RESPIRATORY FAILURE; HMN VI; NEURONOPATHY, SEVERE INFANTILE AXONAL, WITH RESPIRATORY FAILURE; NEURONOPATHY, DISTAL HEREDITARY MOTOR, HARDING TYPE VI; NEUROPATHY, DISTAL HEREDITARY MOTOR, AUTOSOMAL RECESSIVE 1; SPINAL MUSCULAR ATROPHY, DIAPHRAGMATIC. Identifiers: Orphanet 98920, MedGen C1858517, MONDO:0011436, OMIM 604320.
Inborn genetic diseases. Identifiers: MedGen C0950123, MeSH D030342.

Allele frequency attached by ClinVar (database versions not stated): gnomAD exomes 0.00001 and 0.00002; ExAC 0.00002; TOPMed 0.00002; ESP Exome Variant Server 0.00015.
gnomAD v4.1: 12 of 1,614,144 alleles (0.00074%); no homozygotes.

Submissions (4):

Ambry Genetics
Classification: Uncertain significance for Inborn genetic diseases. Last evaluated: 2024-11-10. Review status: criteria provided, single submitter. Criteria: Ambry Variant Classification Scheme 2023. Collection method: clinical testing. Allele origin: germline.

Mayo Clinic Laboratories, Mayo Clinic
Classification: Uncertain significance. Last evaluated: 2022-04-12. Review status: criteria provided, single submitter. Criteria: ACMG Guidelines, 2015. Collection method: clinical testing. Allele origin: germline. Observed: 1 variant allele.

Labcorp Genetics (formerly Invitae), Labcorp
Classification: Uncertain significance for Autosomal recessive distal spinal muscular atrophy 1; Charcot-Marie-Tooth disease axonal type 2S. Last evaluated: 2021-08-30. Review status: criteria provided, single submitter. Criteria: Invitae Variant Classification Sherloc (09022015). Collection method: clinical testing. Allele origin: germline.
Comment: This sequence change replaces glutamic acid with lysine at codon 208 of the IGHMBP2 protein (p.Glu208Lys). The glutamic acid residue is moderately conserved and there is a small physicochemical difference between glutamic acid and lysine. This variant is present in population databases (rs374952782, ExAC 0.003%). This variant has not been reported in the literature in individuals affected with IGHMBP2-related conditions. Algorithms developed to predict the effect of missense changes on protein structure and function are either unavailable or do not agree on the potential impact of this missense change (SIFT: "Tolerated"; PolyPhen-2: "Possibly Damaging"; Align-GVGD: "Class C0"). In summary, the available evidence is currently insufficient to determine the role of this variant in disease. Therefore, it has been classified as a Variant of Uncertain Significance.

Revvity Omics, Revvity
Classification: Uncertain significance. Last evaluated: 2019-08-02. Review status: criteria provided, single submitter. Criteria: ACMG Guidelines, 2015. Collection method: clinical testing. Allele origin: germline.